The following is an entry in ClinVar:

NM_003076.5(SMARCD1):c.1051C>T (p.Arg351Cys)

Gene: SMARCD1 (SWI/SNF related, matrix associated, actin dependent regulator of chromatin, subfamily d, member 1; plus strand). Cytogenetic location: 12q13.12.
Variant type: single nucleotide variant.
Coding change: c.1051C>T on transcript NM_003076.5 (MANE Select); coding-DNA position 1051, C replaced by T.
Protein change: p.Arg351Cys; replaces arginine 351 with cysteine.
Molecular consequence: missense variant.
Genome position (GRCh38, 1-based): chr12:50,090,508, C>T. VCF-style: chr12-50090508-C-T. GRCh37 (hg19) VCF-style: chr12-50484291-C-T.
Other names: c.1051C>T, p.Arg351Cys (NM_139071.3); short protein forms R351C.
Identifiers: ClinVar variation 1687715 (VCV001687715.1), dbSNP rs1253128772, ClinGen allele CA384792527.

ClinVar aggregate classification (germline): Likely pathogenic (0 of 4 stars; one submission).

Conditions:
Alopecia, androgenetic, 1 (AGA1). Identifiers: MedGen C4049090, MONDO:0007184, OMIM 109200.

Allele frequency attached by ClinVar (database versions not stated): gnomAD exomes below 0.00001; TOPMed 0.00001.
gnomAD v4.1: 2 of 1,614,016 alleles (0.00012%); highest among the groups gnomAD compares: African/African-American, 0.0013%; no homozygotes.

Submission:

Nemer Genomics and Translation Biomedicine Lab, American University of Beirut
Classification: Likely pathogenic for Alopecia, androgenetic, 1. Review status: no assertion criteria provided. Collection method: clinical testing. Allele origin: germline. Inheritance: Autosomal recessive inheritance. Affected: yes. Observed: 1 compound heterozygote.
Comment: Compound heterozygous mutation inheritance in FOXC1 and SMARCD1, our publication is in the review process to explain the clinical significance "Cases of Di-Genic Inheritance in Geno Dermatoses: Lessons from Consanguineous Cases in Lebanon" The His484Tyr variant in FOXC1 was absent from large population population studies. It has a deleterious effect(Steinhaus et al., 2021). It leads to heterozygous missense mutation with a predictive CADD score of 26.8, the other deleterious variant c.1051C>T (g.5537C>T) lin SMARCD1 leads to a heterozygous missense mutation (p.R351C) with a CADD score of 33.